The following is an entry in ClinVar:

NM_001378418.1(TCF20):c.147C>T (p.Gly49=)

Gene: TCF20 (transcription factor 20; minus strand). Cytogenetic location: 22q13.2.
Variant type: single nucleotide variant.
Coding change: c.147C>T on transcript NM_001378418.1 (MANE Select); coding-DNA position 147, C replaced by T.
Protein change: p.Gly49=; no amino-acid change (glycine 49 retained).
Molecular consequence: synonymous variant.
Genome position (GRCh38, 1-based): chr22:42,215,159, G>A on the plus strand (C>T on the coding strand, the complement: TCF20 is on the minus strand). VCF-style: chr22-42215159-G-A. GRCh37 (hg19) VCF-style: chr22-42611165-G-A.
Other names: c.147C>T, p.Gly49= (NM_005650.4, NM_181492.3).
Identifiers: ClinVar variation 741281 (VCV000741281.13), dbSNP rs147747076, ClinGen allele CA10267434.

ClinVar aggregate classification (germline): Likely benign. Review status: criteria provided, multiple submitters, no conflicts (2 of 4 stars). 5 submissions from 5 submitters: Likely benign (4). 1 of the submissions does not count toward it. Last evaluated 2026-05-01.

Conditions:
TCF20-related disorder. Also called: TCF20-related condition.

Allele frequency attached by ClinVar (database versions not stated): gnomAD 0.00001; TOPMed 0.00004; gnomAD exomes 0.00005 and 0.00008; ExAC 0.00007; ESP Exome Variant Server 0.00008.
gnomAD v4.1: 84 of 1,614,088 alleles (0.0052%); highest among the groups gnomAD compares: Middle Eastern, 0.082%; no homozygotes.

Submissions (5):

CeGaT Center for Human Genetics Tuebingen
Classification: Likely benign. Last evaluated: 2026-05-01. Review status: criteria provided, single submitter. Criteria: CeGaT Center For Human Genetics Tuebingen Variant Classification Criteria Version 2. Collection method: clinical testing. Allele origin: germline. Affected: yes. Observed: 1 variant allele.
Comment: TCF20: BP4, BP7

Labcorp Genetics (formerly Invitae), Labcorp
Classification: Likely benign. Last evaluated: 2025-11-03. Review status: criteria provided, single submitter. Criteria: Invitae Variant Classification Sherloc (09022015). Collection method: clinical testing. Allele origin: germline.

Blueprint Genetics
Classification: Likely benign. Last evaluated: 2023-10-27. Review status: criteria provided, single submitter. Criteria: ACMG Guidelines, 2015. Collection method: clinical testing. Allele origin: germline.

Breakthrough Genomics
Classification: Likely benign. Review status: criteria provided, single submitter. Criteria: ACMG Guidelines, 2015. Collection method: not provided. Allele origin: germline. Inheritance: Autosomal dominant inheritance. Affected: yes.

PreventionGenetics, part of Exact Sciences
Classification: Likely benign for TCF20-related condition. Last evaluated: 2021-03-29. Review status: no assertion criteria provided. Collection method: clinical testing. Allele origin: germline. Not counted in ClinVar's aggregate classification.
Comment: This variant is classified as likely benign based on ACMG/AMP sequence variant interpretation guidelines (Richards et al. 2015 PMID: 25741868, with internal and published modifications).